The following is an entry in ClinVar:

ClinVar aggregate classification (germline): Uncertain significance (1 of 4 stars; one submission).

Conditions:
Leigh syndrome (NULS). Also called: Leigh's necrotizing encephalopathy; Leigh's disease; Leigh Syndrome (mtDNA deletion); Leigh Disease; Subacute necrotizing encephalopathy; Necrotizing encephalopathy infantile subacute of Leigh. Identifiers: Orphanet 506, MedGen C2931891, MONDO:0009723, OMIM 256000.

Submission:

Wong Mito Lab, Molecular and Human Genetics, Baylor College of Medicine
Classification: Uncertain significance for Leigh syndrome. Last evaluated: 2019-10-17. Review status: criteria provided, single submitter. Criteria: Modified ACMG Guidelines (Unpublished). Collection method: clinical testing. Allele origin: germline.
Comment: The NC_012920.1:m.8210A>G (YP_003024029.1:p.Ile209Val) variant in MTCO2 gene is interpretated to be a Uncertain Significance variant based on the modified ACMG guidelines (unpublished). This variant meets the following evidence codes: PP4

NC_012920.1(MT-CO2):m.8210A>G

Gene: MT-CO2 (mitochondrially encoded cytochrome c oxidase II; plus strand).
Variant type: single nucleotide variant.
Genome position: chrM-8210-A-G.
Identifiers: ClinVar variation 692825 (VCV000692825.1), dbSNP rs1603221330, ClinGen allele CA414795514.